The following is an entry in ClinVar:

NM_006231.4(POLE):c.1630G>A (p.Val544Met)

Gene: POLE (DNA polymerase epsilon, catalytic subunit; minus strand). Cytogenetic location: 12q24.33.
Variant type: single nucleotide variant.
Coding change: c.1630G>A on transcript NM_006231.4 (MANE Select); coding-DNA position 1630, G replaced by A.
Protein change: p.Val544Met; replaces valine 544 with methionine.
Molecular consequence: missense variant.
Genome position (GRCh38, 1-based): chr12:132,672,683, C>T on the plus strand (G>A on the coding strand, the complement: POLE is on the minus strand). VCF-style: chr12-132672683-C-T. GRCh37 (hg19) VCF-style: chr12-133249269-C-T.
Other names: short protein forms V544M.
Identifiers: ClinVar variation 1010167 (VCV001010167.11), dbSNP rs1279012935, ClinGen allele CA387356686.

ClinVar aggregate classification (germline): Uncertain significance. Review status: criteria provided, multiple submitters, no conflicts (2 of 4 stars). 3 submissions from 3 submitters: Uncertain significance (3). Last evaluated 2025-09-10.

Conditions:
Facial dysmorphism-immunodeficiency-livedo-short stature syndrome. Also called: FILS syndrome; Facial dysmorphism, immunodeficiency, livedo, and short stature. Identifiers: Orphanet 352712, MedGen C3554576, MONDO:0014058, OMIM 615139.
Hereditary cancer-predisposing syndrome. Also called: Tumor predisposition; Hereditary neoplastic syndrome; Neoplastic Syndromes, Hereditary; Hereditary Cancer Syndrome. Identifiers: Orphanet 140162, MedGen C0027672, MeSH D009386, MONDO:0015356.

Allele frequency attached by ClinVar (database versions not stated): gnomAD exomes below 0.00001 and 0.00001.
gnomAD v4.1: 3 of 1,614,158 alleles (0.00019%); highest among the groups gnomAD compares: Admixed American, 0.0017%; no homozygotes.

Submissions (3):

Labcorp Genetics (formerly Invitae), Labcorp
Classification: Uncertain significance. Last evaluated: 2025-09-10. Review status: criteria provided, single submitter. Criteria: Invitae Variant Classification Sherloc (09022015). Collection method: clinical testing. Allele origin: germline.
Comment: This sequence change replaces valine, which is neutral and non-polar, with methionine, which is neutral and non-polar, at codon 544 of the POLE protein (p.Val544Met). This variant is present in population databases (no rsID available, gnomAD 0.003%). This variant has not been reported in the literature in individuals affected with POLE-related conditions. ClinVar contains an entry for this variant (Variation ID: 1010167). Invitae Evidence Modeling of protein sequence and biophysical properties (such as structural, functional, and spatial information, amino acid conservation, physicochemical variation, residue mobility, and thermodynamic stability) indicates that this missense variant is expected to disrupt POLE protein function with a positive predictive value of 80%. In summary, the available evidence is currently insufficient to determine the role of this variant in disease. Therefore, it has been classified as a Variant of Uncertain Significance.

Ambry Genetics
Classification: Uncertain significance for Hereditary cancer-predisposing syndrome. Last evaluated: 2024-05-24. Review status: criteria provided, single submitter. Criteria: Ambry Variant Classification Scheme 2023. Collection method: clinical testing. Allele origin: germline.
Comment: The p.V544M variant (also known as c.1630G>A), located in coding exon 15 of the POLE gene, results from a G to A substitution at nucleotide position 1630. The valine at codon 544 is replaced by methionine, an amino acid with highly similar properties. This amino acid position is conserved. In addition, this alteration is predicted to be deleterious by in silico analysis. Since supporting evidence is limited at this time, the clinical significance of this alteration remains unclear.

Baylor Genetics
Classification: Uncertain significance for Facial dysmorphism-immunodeficiency-livedo-short stature syndrome. Last evaluated: 2021-05-31. Review status: criteria provided, single submitter. Criteria: ACMG Guidelines, 2015. Collection method: clinical testing. Allele origin: unknown. Affected: yes. Study: CSER-TexasKidsCanSeq.
Comment: This variant was determined to be of uncertain significance according to ACMG Guidelines, 2015 [PMID:25741868].